The following is an entry in ClinVar:

NM_053025.4(MYLK):c.2820G>T (p.Glu940Asp)

Gene: MYLK (myosin light chain kinase; minus strand). Cytogenetic location: 3q21.1.
Variant type: single nucleotide variant.
Coding change: c.2820G>T on transcript NM_053025.4 (MANE Select); coding-DNA position 2820, G replaced by T.
Protein change: p.Glu940Asp; replaces glutamic acid 940 with aspartic acid.
Molecular consequence: missense variant.
Genome position (GRCh38, 1-based): chr3:123,700,648, C>A on the plus strand (G>T on the coding strand, the complement: MYLK is on the minus strand). VCF-style: chr3-123700648-C-A. GRCh37 (hg19) VCF-style: chr3-123419495-C-A.
Other names: c.2292G>T, p.Glu764Asp (NM_001321309.2); c.2613G>T, p.Glu871Asp (NM_053026.4, NM_053028.4); c.2820G>T, p.Glu940Asp (NM_053027.4); short protein forms E940D, E764D, E871D.
Identifiers: ClinVar variation 3393800 (VCV003393800.1).

ClinVar aggregate classification (germline): Uncertain significance. Review status: criteria provided, multiple submitters, no conflicts (2 of 4 stars). 2 submissions from 2 submitters: Uncertain significance (2). Last evaluated 2024-07-03.

Conditions:
Familial thoracic aortic aneurysm and aortic dissection (TAAD). Also called: Thoracic aortic aneurysms and dissections. Identifiers: Orphanet 91387, MedGen C4707243, MONDO:0019625.

gnomAD v4.1: 4 of 1,614,114 alleles (0.00025%); highest among the groups gnomAD compares: Non-Finnish European, 0.00034%; no homozygotes.

Submissions (2):

GeneDx
Classification: Uncertain significance. Last evaluated: 2024-07-03. Review status: criteria provided, single submitter. Criteria: GeneDx Variant Classification Process June 2021. Collection method: clinical testing. Allele origin: germline. Affected: yes.
Comment: Has not been previously published as pathogenic or benign to our knowledge; Not observed at significant frequency in large population cohorts (gnomAD); In silico analysis indicates that this missense variant does not alter protein structure/function

Ambry Genetics
Classification: Uncertain significance for Familial thoracic aortic aneurysm and aortic dissection. Last evaluated: 2024-06-26. Review status: criteria provided, single submitter. Criteria: Ambry Variant Classification Scheme 2023. Collection method: clinical testing. Allele origin: germline.
Comment: The p.E940D variant (also known as c.2820G>T), located in coding exon 15 of the MYLK gene, results from a G to T substitution at nucleotide position 2820. The glutamic acid at codon 940 is replaced by aspartic acid, an amino acid with highly similar properties. This amino acid position is conserved. In addition, this alteration is predicted to be tolerated by in silico analysis. Based on the available evidence, the clinical significance of this variant remains unclear.